The following is an entry in ClinVar:

NM_000245.4(MET):c.2276C>A (p.Thr759Lys)

Gene: MET (MET proto-oncogene, receptor tyrosine kinase; plus strand). Cytogenetic location: 7q31.2.
Variant type: single nucleotide variant.
Coding change: c.2276C>A on transcript NM_000245.4 (MANE Select); coding-DNA position 2276, C replaced by A.
Protein change: p.Thr759Lys; replaces threonine 759 with lysine.
Molecular consequence: missense variant.
Genome position (GRCh38, 1-based): chr7:116,759,402, C>A. VCF-style: chr7-116759402-C-A. GRCh37 (hg19) VCF-style: chr7-116399456-C-A.
Other names: c.2330C>A, p.Thr777Lys (NM_001127500.3); c.2276C>A, p.Thr759Lys (NM_001324401.3); c.986C>A, p.Thr329Lys (NM_001324402.2); short protein forms T329K, T759K, T777K.
Identifiers: ClinVar variation 944117 (VCV000944117.11), dbSNP rs1794309783, ClinGen allele CA368981971.
Genomic context (GRCh38, chr7:116,759,402, plus strand): 5'-GGTGGAAAGAACCTCTCAACATTGTCAGTTTTCTATTTTGCTTTGCCAGTGGTGGGAGCA[C>A]AATAACAGGTGTTGGGAAAAACCTGAATTCAGTTAGTGTCCCGAGAATGGTCATAAATGT-3'
Protein context (NP_000236.2, residues 749-769): PTKSFISGGS[Thr759Lys]ITGVGKNLNS

ClinVar aggregate classification (germline): Uncertain significance. Review status: criteria provided, multiple submitters, no conflicts (2 of 4 stars). 2 submissions from 2 submitters: Uncertain significance (2). Last evaluated 2022-11-19.

Conditions:
Renal cell carcinoma. Identifiers: Orphanet 217071, MedGen C0007134, MeSH D002292, MONDO:0005086, HP:0005584.
Hereditary cancer-predisposing syndrome. Also called: Neoplastic Syndromes, Hereditary; Hereditary Cancer Syndrome; Tumor predisposition; Hereditary neoplastic syndrome. Identifiers: Orphanet 140162, MedGen C0027672, MeSH D009386, MONDO:0015356.

Allele frequency attached by ClinVar (database versions not stated): gnomAD exomes below 0.00001.

Submissions (2):

Ambry Genetics
Classification: Uncertain significance for Hereditary cancer-predisposing syndrome. Last evaluated: 2022-11-19. Review status: criteria provided, single submitter. Criteria: Ambry Variant Classification Scheme 2023. Collection method: clinical testing. Allele origin: germline.
Comment: The p.T777K variant (also known as c.2330C>A), located in coding exon 9 of the MET gene, results from a C to A substitution at nucleotide position 2330. The threonine at codon 777 is replaced by lysine, an amino acid with similar properties. This amino acid position is conserved. In addition, this alteration is predicted to be deleterious by in silico analysis. Since supporting evidence is limited at this time, the clinical significance of this alteration remains unclear.

Labcorp Genetics (formerly Invitae), Labcorp
Classification: Uncertain significance for Renal cell carcinoma. Last evaluated: 2019-05-18. Review status: criteria provided, single submitter. Criteria: Invitae Variant Classification Sherloc (09022015). Collection method: clinical testing. Allele origin: germline.
Comment: This sequence change replaces threonine with lysine at codon 777 of the MET protein (p.Thr777Lys). The threonine residue is highly conserved and there is a moderate physicochemical difference between threonine and lysine. This variant is not present in population databases (ExAC no frequency). This variant has not been reported in the literature in individuals with MET-related conditions. Algorithms developed to predict the effect of missense changes on protein structure and function are either unavailable or do not agree on the potential impact of this missense change (SIFT: "Deleterious"; PolyPhen-2: "Probably Damaging"; Align-GVGD: "Class C0"). In summary, the available evidence is currently insufficient to determine the role of this variant in disease. Therefore, it has been classified as a Variant of Uncertain Significance.